The following is an entry in ClinVar:

ClinVar aggregate classification (germline): Uncertain significance. Review status: criteria provided, multiple submitters, no conflicts (2 of 4 stars). 2 submissions from 2 submitters: Uncertain significance (2). Last evaluated 2026-04-07.

Allele frequency attached by ClinVar (database versions not stated): ExAC 0.00004; gnomAD 0.00004 and 0.00005; TOPMed 0.00005.
gnomAD v4.1: 28 of 1,612,142 alleles (0.0017%); highest among the groups gnomAD compares: African/African-American, 0.0027%; no homozygotes.

Submissions (2):

Women's Health and Genetics/Laboratory Corporation of America, LabCorp
Classification: Uncertain significance. Last evaluated: 2026-04-07. Review status: criteria provided, single submitter. Criteria: LabCorp Variant Classification Summary - May 2015. Collection method: clinical testing. Allele origin: germline.

Labcorp Genetics (formerly Invitae), Labcorp
Classification: Uncertain significance. Last evaluated: 2025-12-16. Review status: criteria provided, single submitter. Criteria: Invitae Variant Classification Sherloc (09022015). Collection method: clinical testing. Allele origin: germline.
Comment: This sequence change replaces arginine, which is basic and polar, with glutamine, which is neutral and polar, at codon 176 of the RELB protein (p.Arg176Gln). This variant is present in population databases (rs763399382, gnomAD 0.006%). This variant has not been reported in the literature in individuals affected with RELB-related conditions. ClinVar contains an entry for this variant (Variation ID: 1427343). An algorithm developed to predict the effect of missense changes on protein structure and function (PolyPhen-2) suggests that this variant is likely to be disruptive. In summary, the available evidence is currently insufficient to determine the role of this variant in disease. Therefore, it has been classified as a Variant of Uncertain Significance.

NM_006509.4(RELB):c.527G>A (p.Arg176Gln)

Gene: RELB (RELB proto-oncogene, NF-kB subunit; plus strand). Cytogenetic location: 19q13.32.
Variant type: single nucleotide variant.
Coding change: c.527G>A on transcript NM_006509.4 (MANE Select); coding-DNA position 527, G replaced by A.
Protein change: p.Arg176Gln; replaces arginine 176 with glutamine.
Molecular consequence: missense variant.
Genome position (GRCh38, 1-based): chr19:45,022,075, G>A. VCF-style: chr19-45022075-G-A. GRCh37 (hg19) VCF-style: chr19-45525333-G-A.
Other names: short protein forms R176Q.
Identifiers: ClinVar variation 1427343 (VCV001427343.7), dbSNP rs763399382, ClinGen allele CA9507581.